The following is an entry in ClinVar:

NM_153026.3(PRICKLE1):c.808C>A (p.Gln270Lys)

Genes: PRICKLE1 (prickle planar cell polarity protein 1; minus strand), LOC126861509 (BRD4-independent group 4 enhancer GRCh37_chr12:42858567-42859766; plus strand). Cytogenetic location: 12q12.
Variant type: single nucleotide variant.
Coding change: c.808C>A on transcript NM_153026.3 (MANE Select); coding-DNA position 808, C replaced by A.
Protein change: p.Gln270Lys; replaces glutamine 270 with lysine.
Molecular consequence: missense variant.
Genome position (GRCh38, 1-based): chr12:42,465,226, G>T on the plus strand (C>A on the coding strand, the complement: PRICKLE1 is on the minus strand). VCF-style: chr12-42465226-G-T. GRCh37 (hg19) VCF-style: chr12-42859028-G-T.
Other names: c.808C>A, p.Gln270Lys (NM_001144881.2, NM_001144882.2, NM_001144883.2); short protein forms Q270K.
Identifiers: ClinVar variation 502221 (VCV000502221.13), dbSNP rs752070986, ClinGen allele CA6519826.
Genomic context (GRCh38, chr12:42,465,226, plus strand): 5'-CCAACAAAGAGGCTTTACACTGGGCACAAGAAAAGCAGGCTTCCGTGGCGTGCCAGTGCT[G>T]CCCGTCATAGGTCATCTGTGCATGGTCCACACCTGTTTTGAAAAGGATAGAATAAATAAC-3'
Protein context (NP_694571.2, residues 260-280): VDHAQMTYDG[Gln270Lys]HWHATEACFS

ClinVar aggregate classification (germline): Uncertain significance. Review status: criteria provided, multiple submitters, no conflicts (2 of 4 stars). 3 submissions from 3 submitters: Uncertain significance (3). Last evaluated 2025-08-20.

Conditions:
Epilepsy, progressive myoclonic, 1B. Also called: PME. Identifiers: Orphanet 308, MedGen C2676254, MONDO:0012904, OMIM 612437.

Allele frequency attached by ClinVar (database versions not stated): gnomAD exomes 0.00001 and 0.00002; ExAC 0.00002; gnomAD 0.00009; TOPMed 0.00014.
gnomAD v4.1: 34 of 1,613,826 alleles (0.0021%); highest among the groups gnomAD compares: African/African-American, 0.04%; no homozygotes.

Submissions (3):

Ambry Genetics
Classification: Uncertain significance. Last evaluated: 2025-08-20. Review status: criteria provided, single submitter. Criteria: Ambry Variant Classification Scheme 2023. Collection method: clinical testing. Allele origin: germline.

Labcorp Genetics (formerly Invitae), Labcorp
Classification: Uncertain significance for Epilepsy, progressive myoclonic, 1B. Last evaluated: 2022-10-24. Review status: criteria provided, single submitter. Criteria: Invitae Variant Classification Sherloc (09022015). Collection method: clinical testing. Allele origin: germline.
Comment: This sequence change replaces glutamine, which is neutral and polar, with lysine, which is basic and polar, at codon 270 of the PRICKLE1 protein (p.Gln270Lys). This variant is present in population databases (rs752070986, gnomAD 0.03%). This variant has not been reported in the literature in individuals affected with PRICKLE1-related conditions. ClinVar contains an entry for this variant (Variation ID: 502221). Advanced modeling of protein sequence and biophysical properties (such as structural, functional, and spatial information, amino acid conservation, physicochemical variation, residue mobility, and thermodynamic stability) performed at Invitae indicates that this missense variant is not expected to disrupt PRICKLE1 protein function. In summary, the available evidence is currently insufficient to determine the role of this variant in disease. Therefore, it has been classified as a Variant of Uncertain Significance.

Eurofins Ntd Llc (ga)
Classification: Uncertain significance. Last evaluated: 2017-06-06. Review status: criteria provided, single submitter. Criteria: EGL Classification Definitions 2015. Collection method: clinical testing. Allele origin: germline. Observed: 1 variant allele, 1 heterozygote.